The following is an entry in ClinVar:

ClinVar aggregate classification (germline): Benign (1 of 4 stars; one submission).

Conditions:
Autoimmune lymphoproliferative syndrome type 2A (ALPS2A). Also called: CASP10-Related Autoimmune Lymphoproliferative Syndrome; AUTOIMMUNE LYMPHOPROLIFERATIVE SYNDROME, TYPE IIA; Autoimmune lymphoproliferative syndrome type 2. Identifiers: Orphanet 3261, MedGen C1858968, MONDO:0011383, OMIM 603909.

Allele frequency attached by ClinVar (database versions not stated): 1000 Genomes Project 30x 0.00250; 1000 Genomes Project 0.00280; gnomAD 0.00466 and 0.00469; TOPMed 0.00544; gnomAD exomes 0.00606.
gnomAD v4.1: 934 of 188,624 alleles (0.5%); highest among the groups gnomAD compares: Admixed American, 0.95%; 6 homozygotes.

Submission:

Illumina Laboratory Services, Illumina
Classification: Benign for Autoimmune lymphoproliferative syndrome type 2A. Last evaluated: 2018-01-13. Review status: criteria provided, single submitter. Criteria: ICSL Variant Classification Criteria 13 December 2019. Collection method: clinical testing. Allele origin: germline.
Comment: This variant was observed in the ICSL laboratory as part of a predisposition screen in an ostensibly healthy population. It had not been previously curated by ICSL or reported in the Human Gene Mutation Database (HGMD: prior to June 1st, 2018), and was therefore a candidate for classification through an automated scoring system. Utilizing variant allele frequency, disease prevalence and penetrance estimates, and inheritance mode, an automated score was calculated to assess if this variant is too frequent to cause the disease. Based on the score and internal cut-off values, a variant classified as benign is not then subjected to further curation. The score for this variant resulted in a classification of benign for this disease.

NM_032977.4(CASP10):c.*1471G>A

Gene: CASP10 (caspase 10; plus strand). Cytogenetic location: 2q33.1.
Variant type: single nucleotide variant.
Coding change: c.*1471G>A on transcript NM_032977.4 (MANE Select); 1471 bases downstream of the stop codon, G replaced by A.
Molecular consequence: 3 prime UTR variant. On other transcripts: intron variant (2).
Genome position (GRCh38, 1-based): chr2:201,219,212, G>A. VCF-style: chr2-201219212-G-A. GRCh37 (hg19) VCF-style: chr2-202083935-G-A.
Other names: c.*1471G>A (NM_001206524.2, NM_001230.5); c.*2126G>A (NM_032976.4); c.1415+9650G>A (NM_032974.5); c.1286+9650G>A (NM_001206542.2).
Identifiers: ClinVar variation 333462 (VCV000333462.5), dbSNP rs192319559, ClinGen allele CA10611986.